The following is an entry in ClinVar:

ClinVar aggregate classification (germline): Uncertain significance (1 of 4 stars; one submission).

Conditions:
3-methylglutaconic aciduria, type VIIB (MGCA7B). Also called: CLPB Deficiency; 3-methylglutaconic aciduria, type VII, with cataracts, neurologic involvement and neutropenia; 3-methylglutaconic aciduria with cataracts, neurologic involvement and neutropenia. Identifiers: Orphanet 445038, MedGen C5676893, MONDO:0014561, OMIM 616271.

gnomAD v4.1: 1 of 1,614,236 alleles (0.000062%); no homozygotes.

Submission:

Labcorp Genetics (formerly Invitae), Labcorp
Classification: Uncertain significance for 3-methylglutaconic aciduria, type VIIB. Last evaluated: 2025-04-03. Review status: criteria provided, single submitter. Criteria: Invitae Variant Classification Sherloc (09022015). Collection method: clinical testing. Allele origin: germline.
Comment: This sequence change replaces phenylalanine, which is neutral and non-polar, with leucine, which is neutral and non-polar, at codon 586 of the CLPB protein (p.Phe586Leu). This variant is not present in population databases (gnomAD no frequency). This variant has not been reported in the literature in individuals affected with CLPB-related conditions. An algorithm developed to predict the effect of missense changes on protein structure and function (PolyPhen-2) suggests that this variant is likely to be tolerated. In summary, the available evidence is currently insufficient to determine the role of this variant in disease. Therefore, it has been classified as a Variant of Uncertain Significance.

NM_001258392.3(CLPB):c.1668C>A (p.Phe556Leu)

Gene: CLPB (ClpB family mitochondrial disaggregase; minus strand). Cytogenetic location: 11q13.4.
Variant type: single nucleotide variant.
Coding change: c.1668C>A on transcript NM_001258392.3 (MANE Select); coding-DNA position 1668, C replaced by A.
Protein change: p.Phe556Leu; replaces phenylalanine 556 with leucine.
Molecular consequence: missense variant.
Genome position (GRCh38, 1-based): chr11:72,294,337, G>T on the plus strand (C>A on the coding strand, the complement: CLPB is on the minus strand). VCF-style: chr11-72294337-G-T. GRCh37 (hg19) VCF-style: chr11-72005381-G-T.
Other names: c.1581C>A, p.Phe527Leu (NM_001258393.3); c.1623C>A, p.Phe541Leu (NM_001258394.3); c.1758C>A, p.Phe586Leu (NM_030813.6); short protein forms F541L, F586L, F527L, F556L.
Identifiers: ClinVar variation 4716587 (VCV004716587.1).